The following is an entry in ClinVar:

ClinVar aggregate classification (germline): Uncertain significance (1 of 4 stars; one submission).

Submission:

Labcorp Genetics (formerly Invitae), Labcorp
Classification: Uncertain significance. Last evaluated: 2022-12-07. Review status: criteria provided, single submitter. Criteria: Invitae Variant Classification Sherloc (09022015). Collection method: clinical testing. Allele origin: unknown.
Comment: In summary, the available evidence is currently insufficient to determine the role of this variant in disease. Therefore, it has been classified as a Variant of Uncertain Significance. This variant has not been reported in the literature in individuals affected with ARFGEF2-related conditions. This variant results in a copy number gain of the genomic region encompassing exon(s) 1 of the ARFGEF2 gene. This region includes the initiator codon of the gene. This copy number gain extends beyond the assayed region for this gene and therefore may encompass additional genes. As the precise location of this event is unknown, it may be in tandem or it may be located elsewhere in the genome.

NC_000020.10:g.(?_47340117)_(47538567_?)dup

Genes: ARFGEF2 (ARF guanine nucleotide exchange factor 2; plus strand), PREX1 (phosphatidylinositol-3,4,5-trisphosphate dependent Rac exchange factor 1; minus strand). Cytogenetic location: 20q13.13.
Variant type: Duplication.
Identifiers: ClinVar variation 3248337 (VCV003248337.1).